The following is an entry in ClinVar:

NM_001365951.3(KIF1B):c.2358G>C (p.Lys786Asn)

Gene: KIF1B (kinesin family member 1B; plus strand). Cytogenetic location: 1p36.22.
Variant type: single nucleotide variant.
Coding change: c.2358G>C on transcript NM_001365951.3 (MANE Select); coding-DNA position 2358, G replaced by C.
Protein change: p.Lys786Asn; replaces lysine 786 with asparagine.
Molecular consequence: missense variant.
Genome position (GRCh38, 1-based): chr1:10,321,857, G>C. VCF-style: chr1-10321857-G-C. GRCh37 (hg19) VCF-style: chr1-10381915-G-C.
Other names: c.2358G>C, p.Lys786Asn (NM_001365952.1); c.2220G>C, p.Lys740Asn (NM_015074.3); short protein forms K786N, K740N.
Identifiers: ClinVar variation 2045785 (VCV002045785.4), dbSNP rs2521607889, ClinGen allele CA338333376.

ClinVar aggregate classification (germline): Uncertain significance (1 of 4 stars; one submission).

Conditions:
Charcot-Marie-Tooth disease type 2. Also called: Charcot-Marie-Tooth type 2. Identifiers: Orphanet 64746, MedGen C0270914, MONDO:0018993.

Submission:

Labcorp Genetics (formerly Invitae), Labcorp
Classification: Uncertain significance for Charcot-Marie-Tooth disease type 2. Last evaluated: 2021-12-17. Review status: criteria provided, single submitter. Criteria: Invitae Variant Classification Sherloc (09022015). Collection method: clinical testing. Allele origin: germline.
Comment: This sequence change replaces lysine, which is basic and polar, with asparagine, which is neutral and polar, at codon 740 of the KIF1B protein (p.Lys740Asn). This variant also falls at the last nucleotide of exon 22, which is part of the consensus splice site for this exon. This variant is not present in population databases (gnomAD no frequency). This variant has not been reported in the literature in individuals affected with KIF1B-related conditions. Algorithms developed to predict the effect of missense changes on protein structure and function are either unavailable or do not agree on the potential impact of this missense change (SIFT: "Deleterious"; PolyPhen-2: "Probably Damaging"; Align-GVGD: "Class C0"). Variants that disrupt the consensus splice site are a relatively common cause of aberrant splicing (PMID: 17576681, 9536098). Algorithms developed to predict the effect of sequence changes on RNA splicing suggest that this variant may disrupt the consensus splice site. In summary, the available evidence is currently insufficient to determine the role of this variant in disease. Therefore, it has been classified as a Variant of Uncertain Significance.

Literature cited by the submitters: PubMed 17576681; PubMed 9536098.